The following is an entry in ClinVar:

NM_000890.5(KCNJ5):c.1151C>A (p.Pro384Gln)

Gene: KCNJ5 (potassium inwardly rectifying channel subfamily J member 5; plus strand). Cytogenetic location: 11q24.3.
Variant type: single nucleotide variant.
Coding change: c.1151C>A on transcript NM_000890.5 (MANE Select); coding-DNA position 1151, C replaced by A.
Protein change: p.Pro384Gln; replaces proline 384 with glutamine.
Molecular consequence: missense variant.
Genome position (GRCh38, 1-based): chr11:128,916,622, C>A. VCF-style: chr11-128916622-C-A. GRCh37 (hg19) VCF-style: chr11-128786517-C-A.
Other names: c.1151C>A (LRG_333t1); c.1151C>A, p.Pro384Gln (NM_001354169.2); short protein forms P384Q.
Identifiers: ClinVar variation 647018 (VCV000647018.8), dbSNP rs148307402, ClinGen allele CA383236026.

ClinVar aggregate classification (germline): Uncertain significance (1 of 4 stars; one submission).

Conditions:
Long QT syndrome (LQTS). Identifiers: MedGen C0023976, MeSH D008133, MONDO:0002442. Disease mechanism: loss of function. Inheritance: Various modes of inheritance.

gnomAD v4.1: 4 of 1,613,998 alleles (0.00025%); highest among the groups gnomAD compares: East Asian, 0.0022%; no homozygotes.

Submission:

Labcorp Genetics (formerly Invitae), Labcorp
Classification: Uncertain significance for Long QT syndrome. Last evaluated: 2018-07-15. Review status: criteria provided, single submitter. Criteria: Invitae Variant Classification Sherloc (09022015). Collection method: clinical testing. Allele origin: germline.
Comment: This sequence change replaces proline with glutamine at codon 384 of the KCNJ5 protein (p.Pro384Gln). The proline residue is weakly conserved and there is a moderate physicochemical difference between proline and glutamine. This variant is not present in population databases (ExAC no frequency). This variant has not been reported in the literature in individuals with KCNJ5-related disease. Algorithms developed to predict the effect of missense changes on protein structure and function are either unavailable or do not agree on the potential impact of this missense change (SIFT: "Deleterious"; PolyPhen-2: "Benign"; Align-GVGD: "Class C0"). In summary, the available evidence is currently insufficient to determine the role of this variant in disease. Therefore, it has been classified as a Variant of Uncertain Significance.